The following is an entry in ClinVar:

ClinVar aggregate classification (germline): Uncertain significance. Review status: criteria provided, multiple submitters, no conflicts (2 of 4 stars). 3 submissions from 3 submitters: Uncertain significance (3). Last evaluated 2025-11-08.

Conditions:
Cataract 41 (CTRCT41). Also called: CATARACT 41, CONGENITAL NUCLEAR TYPE. Identifiers: Orphanet 91492, Orphanet 98991, Orphanet 98992, Orphanet 98995, MedGen C3805412, MONDO:0007287, OMIM 116400.
Autosomal dominant nonsyndromic hearing loss 6 (LFSNHL). Also called: DEAFNESS, AUTOSOMAL DOMINANT 6; DEAFNESS, AUTOSOMAL DOMINANT 14; DEAFNESS, AUTOSOMAL DOMINANT 38; Autosomal dominant nonsyndromic deafness 6. Identifiers: Orphanet 90635, MedGen C1833021, MONDO:0010963, OMIM 600965.
Type 2 diabetes mellitus. Also called: Type II diabetes mellitus. Identifiers: MedGen C0011860, MeSH D003924, MONDO:0005148, OMIM 125853, HP:0005978.
Wolfram syndrome 1 (WFS1). Identifiers: Orphanet 3463, MedGen C4551693, MONDO:0009101, OMIM 222300.
Wolfram-like syndrome. Also called: HEARING LOSS, PROGRESSIVE, WITH OPTIC ATROPHY AND/OR IMPAIRED GLUCOSE REGULATION. Identifiers: Orphanet 411590, MedGen C3280358, MONDO:0013673, OMIM 614296.

Submissions (3):

Labcorp Genetics (formerly Invitae), Labcorp
Classification: Uncertain significance. Last evaluated: 2025-11-08. Review status: criteria provided, single submitter. Criteria: Invitae Variant Classification Sherloc (09022015). Collection method: clinical testing. Allele origin: germline.
Comment: This variant, c.2643_2645del, results in the deletion of 1 amino acid(s) of the WFS1 protein (p.Phe884del), but otherwise preserves the integrity of the reading frame. This variant is present in population databases (rs535021228, gnomAD 0.01%). This variant has not been reported in the literature in individuals affected with WFS1-related conditions. ClinVar contains an entry for this variant (Variation ID: 1397404). Experimental studies and prediction algorithms are not available or were not evaluated, and the functional significance of this variant is currently unknown. In summary, the available evidence is currently insufficient to determine the role of this variant in disease. Therefore, it has been classified as a Variant of Uncertain Significance.

CeGaT Center for Human Genetics Tuebingen
Classification: Uncertain significance. Last evaluated: 2024-02-01. Review status: criteria provided, single submitter. Criteria: CeGaT Center For Human Genetics Tuebingen Variant Classification Criteria Version 2. Collection method: clinical testing. Allele origin: germline. Affected: yes. Observed: 1 variant allele.
Comment: WFS1: PM2, PM4:Supporting

Fulgent Genetics
Classification: Uncertain significance for Cataract 41; Type 2 diabetes mellitus; Wolfram syndrome 1; Autosomal dominant nonsyndromic hearing loss 6; Wolfram-like syndrome. Last evaluated: 2024-01-18. Review status: criteria provided, single submitter. Criteria: ACMG Guidelines, 2015. Collection method: clinical testing. Allele origin: germline.

NM_006005.3(WFS1):c.2640CTT[1] (p.Phe884del)

Gene: WFS1 (wolframin ER transmembrane glycoprotein; plus strand). Cytogenetic location: 4p16.1.
Variant type: Microsatellite.
Coding change: c.2640CTT[1] on transcript NM_006005.3 (MANE Select); one copy of the 3-base unit CTT starting at c.2640; the reference has two copies in a row; one copy, 3 bases deleted; also written c.2643_2645del.
Protein change: p.Phe884del; deletes phenylalanine 884.
Molecular consequence: inframe deletion.
Genome position (GRCh38, 1-based): chr4:6,302,438-6,302,440, CTT deleted; deleting any 3 consecutive bases within chr4:6,302,435-6,302,440 gives the same sequence; the position shown is the placement nearest the transcript's 3' end. VCF-style (leftmost placement, unchanged base first): chr4-6302434-ACTT-A. GRCh37 (hg19) VCF-style: chr4-6304161-ACTT-A.
Other names: c.2640CTT[1], p.Phe884del (NM_001145853.1); c.2643_2645del (NM_006005.3); short protein forms F884del.
Identifiers: ClinVar variation 1397404 (VCV001397404.28), dbSNP rs535021228, ClinGen allele CA2839818.